The following is an entry in ClinVar:

ClinVar aggregate classification (germline): Pathogenic (1 of 4 stars; one submission).

Conditions:
Lethal Kniest-like syndrome (DDSH). Also called: Dyssegmental Dysplasia. Identifiers: Orphanet 1865, MedGen C1857100, MONDO:0009140, OMIM 224410.

Submission:

Baylor Genetics
Classification: Pathogenic for Lethal Kniest-like syndrome. Last evaluated: 2018-05-24. Review status: criteria provided, single submitter. Criteria: ACMG Guidelines, 2015. Collection method: clinical testing. Allele origin: maternal. Affected: yes.
Comment: This variant was determined to be pathogenic according to ACMG Guidelines, 2015 [PMID:25741868].

NM_005529.7(HSPG2):c.12900-2A>C

Genes: HSPG2 (heparan sulfate proteoglycan 2; minus strand), LDLRAD2 (low density lipoprotein receptor class A domain containing 2; plus strand). Cytogenetic location: 1p36.12.
Variant type: single nucleotide variant.
Coding change: c.12900-2A>C on transcript NM_005529.7 (MANE Select); the canonical splice acceptor site of the intron before coding-DNA position 12900, A replaced by C.
Molecular consequence: splice acceptor variant. On other transcripts: 3 prime UTR variant (1).
Genome position (GRCh38, 1-based): chr1:21,823,721, T>G on the plus strand (A>C on the coding strand, the complement: HSPG2 is on the minus strand). VCF-style: chr1-21823721-T-G. GRCh37 (hg19) VCF-style: chr1-22150214-T-G.
Other names: c.*1506T>G (NM_001013693.3); c.12903-2A>C (NM_001291860.2).
Identifiers: ClinVar variation 1034182 (VCV001034182.1), dbSNP rs111306515, ClinGen allele CA19085734.